The following is an entry in ClinVar:

ClinVar aggregate classification (germline): Uncertain significance (1 of 4 stars; one submission).

Conditions:
Tumor predisposition syndrome 3 (TPDS3). Also called: Glioma susceptibility 9; LONG TELOMERE SYNDROME, POT1-RELATED; POT1 Tumor Predisposition; Melanoma, cutaneous malignant, susceptibility to, 10. Identifiers: Orphanet 618, MedGen C4014476, MONDO:0014368, OMIM 615848.

gnomAD v4.1: 1 of 1,610,936 alleles (0.000062%); highest among the groups gnomAD compares: East Asian, 0.0022%; no homozygotes.

Submission:

Labcorp Genetics (formerly Invitae), Labcorp
Classification: Uncertain significance for Tumor predisposition syndrome 3. Last evaluated: 2025-02-02. Review status: criteria provided, single submitter. Criteria: Invitae Variant Classification Sherloc (09022015). Collection method: clinical testing. Allele origin: germline.
Comment: This sequence change replaces leucine, which is neutral and non-polar, with isoleucine, which is neutral and non-polar, at codon 203 of the POT1 protein (p.Leu203Ile). This variant is present in population databases (no rsID available, gnomAD 0.006%). This variant has not been reported in the literature in individuals affected with POT1-related conditions. Invitae Evidence Modeling of protein sequence and biophysical properties (such as structural, functional, and spatial information, amino acid conservation, physicochemical variation, residue mobility, and thermodynamic stability) indicates that this missense variant is not expected to disrupt POT1 protein function with a negative predictive value of 80%. In summary, the available evidence is currently insufficient to determine the role of this variant in disease. Therefore, it has been classified as a Variant of Uncertain Significance.

NM_015450.3(POT1):c.607C>A (p.Leu203Ile)

Gene: POT1 (protection of telomeres 1; minus strand). Cytogenetic location: 7q31.33.
Variant type: single nucleotide variant.
Coding change: c.607C>A on transcript NM_015450.3 (MANE Select); coding-DNA position 607, C replaced by A.
Protein change: p.Leu203Ile; replaces leucine 203 with isoleucine.
Molecular consequence: missense variant. On other transcripts: non-coding transcript variant (3).
Genome position (GRCh38, 1-based): chr7:124,859,052, G>T on the plus strand (C>A on the coding strand, the complement: POT1 is on the minus strand). VCF-style: chr7-124859052-G-T. GRCh37 (hg19) VCF-style: chr7-124499106-G-T.
Other names: c.214C>A, p.Leu72Ile (NM_001042594.2); short protein forms L203I, L72I.
Identifiers: ClinVar variation 3667322 (VCV003667322.2).
Genomic context (GRCh38, chr7:124,859,052, plus strand): 5'-AGACTAAAATGTCTATTGTCAGATTTTGTAGCCGATGGATGTGACTTAAATCACCTTCAA[G>T]AACAAGGTCTTGTATTAAGACTCTCCAAGATGGAAATGGTGTCCTGGTGCCATCCCATAC-3'
Protein context (NP_056265.2, residues 193-213): SWRVLIQDLV[Leu203Ile]EGDLSHIHRL